The following is an entry in ClinVar:

NM_006516.4(SLC2A1):c.498C>T (p.Val166=)

Gene: SLC2A1 (solute carrier family 2 member 1; minus strand). Cytogenetic location: 1p34.2.
Variant type: single nucleotide variant.
Coding change: c.498C>T on transcript NM_006516.4 (MANE Select); coding-DNA position 498, C replaced by T.
Protein change: p.Val166=; no amino-acid change (valine 166 retained).
Molecular consequence: synonymous variant.
Genome position (GRCh38, 1-based): chr1:42,930,644, G>A on the plus strand (C>T on the coding strand, the complement: SLC2A1 is on the minus strand). VCF-style: chr1-42930644-G-A. GRCh37 (hg19) VCF-style: chr1-43396315-G-A.
Identifiers: ClinVar variation 197282 (VCV000197282.50), dbSNP rs150971143, ClinGen allele CA019200.

ClinVar aggregate classification (germline): Conflicting classifications of pathogenicity. Review status: criteria provided, conflicting classifications (1 of 4 stars). 7 submissions from 7 submitters: Uncertain significance (1); Benign (3); Likely benign (3). Last evaluated 2026-08-01.

Conditions:
Inborn genetic diseases. Identifiers: MedGen C0950123, MeSH D030342.
GLUT1 deficiency syndrome 1, autosomal recessive. Identifiers: MedGen C3149117.

Allele frequency attached by ClinVar (database versions not stated): gnomAD exomes 0.00006 and 0.00013; ExAC 0.00018; gnomAD 0.00034 and 0.00036; TOPMed 0.00040; ESP Exome Variant Server 0.00100.
gnomAD v4.1: 150 of 1,612,074 alleles (0.0093%); highest among the groups gnomAD compares: African/African-American, 0.12%; no homozygotes.

Submissions (7):

CeGaT Center for Human Genetics Tuebingen
Classification: Likely benign. Last evaluated: 2026-08-01. Review status: criteria provided, single submitter. Criteria: CeGaT Center For Human Genetics Tuebingen Variant Classification Criteria Version 2. Collection method: clinical testing. Allele origin: germline. Affected: yes. Observed: 3 variant alleles.
Comment: SLC2A1: BP4, BP7

Labcorp Genetics (formerly Invitae), Labcorp
Classification: Benign for GLUT1 deficiency syndrome 1, autosomal recessive. Last evaluated: 2026-01-27. Review status: criteria provided, single submitter. Criteria: Invitae Variant Classification Sherloc (09022015). Collection method: clinical testing. Allele origin: germline.

ARUP Laboratories, Molecular Genetics and Genomics, ARUP Laboratories
Classification: Benign. Last evaluated: 2025-03-31. Review status: criteria provided, single submitter. Criteria: ARUP Molecular Germline Variant Investigation Process 2024. Collection method: clinical testing. Allele origin: germline.

Blueprint Genetics
Classification: Likely benign. Last evaluated: 2024-11-01. Review status: criteria provided, single submitter. Criteria: ACMG Guidelines, 2015. Collection method: clinical testing. Allele origin: germline.

Eurofins Ntd Llc (ga)
Classification: Uncertain significance. Last evaluated: 2017-04-12. Review status: criteria provided, single submitter. Criteria: EGL Classification Definitions 2015. Collection method: clinical testing. Allele origin: germline. Observed: 2 variant alleles, 2 heterozygotes.

Ambry Genetics
Classification: Likely benign for Inborn genetic diseases. Last evaluated: 2017-01-17. Review status: criteria provided, single submitter. Criteria: Ambry Variant Classification Scheme 2023. Collection method: clinical testing. Allele origin: germline.

GeneDx
Classification: Benign. Last evaluated: 2015-03-31. Review status: criteria provided, single submitter. Criteria: GeneDx Variant Classification (06012015). Collection method: clinical testing. Allele origin: germline. Affected: yes.
Comment: This variant is considered likely benign or benign based on one or more of the following criteria: it is a conservative change, it occurs at a poorly conserved position in the protein, it is predicted to be benign by multiple in silico algorithms, and/or has population frequency not consistent with disease.